The following is an entry in ClinVar:

NM_004082.5(DCTN1):c.1719G>T (p.Leu573Phe)

Gene: DCTN1 (dynactin subunit 1; minus strand). Cytogenetic location: 2p13.1.
Variant type: single nucleotide variant.
Coding change: c.1719G>T on transcript NM_004082.5 (MANE Select); coding-DNA position 1719, G replaced by T.
Protein change: p.Leu573Phe; replaces leucine 573 with phenylalanine.
Molecular consequence: missense variant. On other transcripts: non-coding transcript variant (1).
Genome position (GRCh38, 1-based): chr2:74,368,863, C>A on the plus strand (G>T on the coding strand, the complement: DCTN1 is on the minus strand). VCF-style: chr2-74368863-C-A. GRCh37 (hg19) VCF-style: chr2-74595990-C-A.
Other names: c.1659G>T, p.Leu553Phe (NM_001135040.3); c.1317G>T, p.Leu439Phe (NM_001135041.3, NM_023019.4); c.1608G>T, p.Leu536Phe (NM_001190836.2); c.1698G>T, p.Leu566Phe (NM_001190837.2); c.1668G>T, p.Leu556Phe (NM_001378991.1); c.1650G>T, p.Leu550Phe (NM_001378992.1); short protein forms L439F, L536F, L550F, L553F, L556F, L566F, L573F.
Identifiers: ClinVar variation 1806733 (VCV001806733.6), dbSNP rs2529140326, ClinGen allele CA347356118.

ClinVar aggregate classification (germline): Uncertain significance. Review status: criteria provided, multiple submitters, no conflicts (2 of 4 stars). 2 submissions from 2 submitters: Uncertain significance (2). Last evaluated 2022-06-20.

Conditions:
Perry syndrome. Also called: PARKINSONISM WITH ALVEOLAR HYPOVENTILATION AND MENTAL DEPRESSION. Identifiers: Orphanet 178509, MedGen C1868594, MONDO:0008201, OMIM 168605.
Neuronopathy, distal hereditary motor, type 7B. Also called: HMN VIIB; LOWER MOTOR NEURON DISEASE, DYNACTIN TYPE; Distal Hereditary Motor Neuronopathy Type 7B (dHMN7B); NEURONOPATHY, DISTAL HEREDITARY MOTOR, AUTOSOMAL DOMINANT 14; NEURONOPATHY, DISTAL HEREDITARY MOTOR, HARDING TYPE VIIB; NEUROPATHY, DISTAL HEREDITARY MOTOR, HARDING TYPE VIIB. Identifiers: Orphanet 139589, MedGen C1843315, MONDO:0011879, OMIM 607641.
Amyotrophic lateral sclerosis type 1 (ALS1). Also called: AMYOTROPHIC LATERAL SCLEROSIS 1, FAMILIAL. Identifiers: Orphanet 803, MedGen C1862939, MONDO:0007103, OMIM 105400.

Submissions (2):

GeneDx
Classification: Uncertain significance. Last evaluated: 2022-06-20. Review status: criteria provided, single submitter. Criteria: GeneDx Variant Classification Process June 2021. Collection method: clinical testing. Allele origin: germline. Affected: yes.
Comment: Not observed at significant frequency in large population cohorts (gnomAD); In silico analysis supports that this missense variant has a deleterious effect on protein structure/function; Has not been previously published as pathogenic or benign to our knowledge

Labcorp Genetics (formerly Invitae), Labcorp
Classification: Uncertain significance for Amyotrophic lateral sclerosis type 1; Neuronopathy, distal hereditary motor, type 7B; Perry syndrome. Last evaluated: 2022-05-06. Review status: criteria provided, single submitter. Criteria: Invitae Variant Classification Sherloc (09022015). Collection method: clinical testing. Allele origin: germline.
Comment: In summary, the available evidence is currently insufficient to determine the role of this variant in disease. Therefore, it has been classified as a Variant of Uncertain Significance. Algorithms developed to predict the effect of missense changes on protein structure and function are either unavailable or do not agree on the potential impact of this missense change (SIFT: "Deleterious"; PolyPhen-2: "Probably Damaging"; Align-GVGD: "Class C15"). This variant has not been reported in the literature in individuals affected with DCTN1-related conditions. This variant is not present in population databases (gnomAD no frequency). This sequence change replaces leucine, which is neutral and non-polar, with phenylalanine, which is neutral and non-polar, at codon 573 of the DCTN1 protein (p.Leu573Phe).